The following is an entry in ClinVar:

ClinVar aggregate classification (germline): Uncertain significance (1 of 4 stars; one submission).

Conditions:
Dyskeratosis congenita. Identifiers: Orphanet 1775, MedGen C0265965, MONDO:0015780.

gnomAD v4.1: 1 of 1,614,048 alleles (0.000062%); highest among the groups gnomAD compares: Non-Finnish European, 0.000085%; no homozygotes.

Submission:

Labcorp Genetics (formerly Invitae), Labcorp
Classification: Uncertain significance for Dyskeratosis congenita. Last evaluated: 2024-04-08. Review status: criteria provided, single submitter. Criteria: Invitae Variant Classification Sherloc (09022015). Collection method: clinical testing. Allele origin: germline.
Comment: This sequence change falls in intron 5 of the TINF2 gene. It does not directly change the encoded amino acid sequence of the TINF2 protein. It affects a nucleotide within the consensus splice site. This variant is not present in population databases (gnomAD no frequency). This variant has not been reported in the literature in individuals affected with TINF2-related conditions. Variants that disrupt the consensus splice site are a relatively common cause of aberrant splicing (PMID: 17576681, 9536098). Algorithms developed to predict the effect of sequence changes on RNA splicing suggest that this variant is not likely to affect RNA splicing. In summary, the available evidence is currently insufficient to determine the role of this variant in disease. Therefore, it has been classified as a Variant of Uncertain Significance.

Literature cited by the submitters: PubMed 17576681; PubMed 9536098.

NM_001099274.3(TINF2):c.605-3C>T

Gene: TINF2 (TERF1 interacting nuclear factor 2; minus strand). Cytogenetic location: 14q12.
Variant type: single nucleotide variant.
Coding change: c.605-3C>T on transcript NM_001099274.3 (MANE Select); 3 bases into the intron before coding-DNA position 605, C replaced by T.
Molecular consequence: intron variant.
Genome position (GRCh38, 1-based): chr14:24,240,878, G>A on the plus strand (C>T on the coding strand, the complement: TINF2 is on the minus strand). VCF-style: chr14-24240878-G-A. GRCh37 (hg19) VCF-style: chr14-24710084-G-A.
Other names: c.605-3C>T (NM_012461.3); c.500-3C>T (NM_001363668.2).
Identifiers: ClinVar variation 3673188 (VCV003673188.2).